The following is an entry in ClinVar:

NM_182961.4(SYNE1):c.25460A>T (p.Glu8487Val)

Gene: SYNE1 (spectrin repeat containing nuclear envelope protein 1; minus strand). Cytogenetic location: 6q25.2.
Variant type: single nucleotide variant.
Coding change: c.25460A>T on transcript NM_182961.4 (MANE Select); coding-DNA position 25460, A replaced by T.
Protein change: p.Glu8487Val; replaces glutamic acid 8487 with valine.
Molecular consequence: missense variant.
Genome position (GRCh38, 1-based): chr6:152,136,817, T>A on the plus strand (A>T on the coding strand, the complement: SYNE1 is on the minus strand). VCF-style: chr6-152136817-T-A. GRCh37 (hg19) VCF-style: chr6-152457952-T-A.
Other names: c.2066A>T, p.Glu689Val (NM_001347701.2); c.1994A>T, p.Glu665Val (NM_001347702.2); c.25316A>T, p.Glu8439Val (NM_033071.5); short protein forms E689V, E8487V, E665V, E8439V.
Identifiers: ClinVar variation 1364244 (VCV001364244.8), dbSNP rs775455354, ClinGen allele CA4052816.

ClinVar aggregate classification (germline): Uncertain significance (1 of 4 stars; one submission).

Conditions:
Autosomal recessive ataxia, Beauce type. Also called: SYNE1-Related Autosomal Recessive Cerebellar Ataxia; SYNE1 Deficiency; Spinocerebellar ataxia, autosomal recessive 8; ATAXIA, RECESSIVE, OF BEAUCE. Identifiers: Orphanet 88644, MedGen C1853116, MONDO:0012549, OMIM 610743.
Emery-Dreifuss muscular dystrophy 4, autosomal dominant (EDMD4). Also called: EMERY-DREIFUSS MUSCULAR DYSTROPHY 4 WITH VARIABLE FEATURES. Identifiers: Orphanet 261, MedGen C2751807, MONDO:0013071, OMIM 612998.

Allele frequency attached by ClinVar (database versions not stated): TOPMed below 0.00001; ExAC 0.00001; gnomAD exomes 0.00002.
gnomAD v4.1: 5 of 1,614,012 alleles (0.00031%); highest among the groups gnomAD compares: Admixed American, 0.0083%; no homozygotes.

Submission:

Labcorp Genetics (formerly Invitae), Labcorp
Classification: Uncertain significance for Emery-Dreifuss muscular dystrophy 4, autosomal dominant; Autosomal recessive ataxia, Beauce type. Last evaluated: 2022-04-01. Review status: criteria provided, single submitter. Criteria: Invitae Variant Classification Sherloc (09022015). Collection method: clinical testing. Allele origin: germline.
Comment: In summary, the available evidence is currently insufficient to determine the role of this variant in disease. Therefore, it has been classified as a Variant of Uncertain Significance. Algorithms developed to predict the effect of sequence changes on RNA splicing suggest that this variant may create or strengthen a splice site. Algorithms developed to predict the effect of missense changes on protein structure and function are either unavailable or do not agree on the potential impact of this missense change (SIFT: "Deleterious"; PolyPhen-2: "Probably Damaging"; Align-GVGD: "Class C0"). This variant has not been reported in the literature in individuals affected with SYNE1-related conditions. This variant is present in population databases (rs775455354, gnomAD 0.01%). This sequence change replaces glutamic acid, which is acidic and polar, with valine, which is neutral and non-polar, at codon 8439 of the SYNE1 protein (p.Glu8439Val).